The following is an entry in ClinVar:

NM_018060.4(IARS2):c.116G>A (p.Arg39Lys)

Genes: IARS2 (isoleucyl-tRNA synthetase 2, mitochondrial; plus strand), LOC129932529 (ATAC-STARR-seq lymphoblastoid silent region 1823; plus strand). Cytogenetic location: 1q41.
Variant type: single nucleotide variant.
Coding change: c.116G>A on transcript NM_018060.4 (MANE Select); coding-DNA position 116, G replaced by A.
Protein change: p.Arg39Lys; replaces arginine 39 with lysine.
Molecular consequence: missense variant.
Genome position (GRCh38, 1-based): chr1:220,094,332, G>A. VCF-style: chr1-220094332-G-A. GRCh37 (hg19) VCF-style: chr1-220267674-G-A.
Other names: p.Arg39Lys; short protein forms R39K.
Identifiers: ClinVar variation 3380624 (VCV003380624.1).

ClinVar aggregate classification (germline): Uncertain significance (1 of 4 stars; one submission).

gnomAD v4.1: 37 of 1,613,010 alleles (0.0023%); highest among the groups gnomAD compares: Non-Finnish European, 0.003%; no homozygotes.

Submission:

Mayo Clinic Laboratories, Mayo Clinic
Classification: Uncertain significance. Last evaluated: 2023-10-06. Review status: criteria provided, single submitter. Criteria: ACMG Guidelines, 2015. Collection method: clinical testing. Allele origin: germline. Observed: 1 variant allele.
Comment: BP4, PM2_moderate